The following is an entry in ClinVar:

NM_001242896.3(DEPDC5):c.4403G>A (p.Arg1468Gln)

Gene: DEPDC5 (DEP domain containing 5, GATOR1 subcomplex subunit; plus strand). Cytogenetic location: 22q12.3.
Variant type: single nucleotide variant.
Coding change: c.4403G>A on transcript NM_001242896.3 (MANE Select); coding-DNA position 4403, G replaced by A.
Protein change: p.Arg1468Gln; replaces arginine 1468 with glutamine.
Molecular consequence: missense variant. On other transcripts: non-coding transcript variant (5).
Genome position (GRCh38, 1-based): chr22:31,901,769, G>A. VCF-style: chr22-31901769-G-A. GRCh37 (hg19) VCF-style: chr22-32297755-G-A.
Other names: c.4376G>A, p.Arg1459Gln (NM_001136029.4); c.4103G>A, p.Arg1368Gln (NM_001242897.2); c.4337G>A, p.Arg1446Gln (NM_001363852.2, NM_001364320.2); c.4169G>A, p.Arg1390Gln (NM_001363854.2, NM_001364319.2); c.4403G>A, p.Arg1468Gln (NM_001364318.2); c.4319G>A, p.Arg1440Gln (NM_001369901.1, NM_001369902.1); c.4310G>A, p.Arg1437Gln (NM_001369903.1, NM_014662.6); short protein forms R1368Q, R1390Q, R1437Q, R1440Q, R1446Q, R1459Q, R1468Q.
Identifiers: ClinVar variation 1003963 (VCV001003963.8), dbSNP rs780509997, ClinGen allele CA10197234.

ClinVar aggregate classification (germline): Uncertain significance (1 of 4 stars; one submission).

Conditions:
Familial focal epilepsy with variable foci (FPEVF). Identifiers: Orphanet 98820, MedGen C1858477, MONDO:0020310.

Allele frequency attached by ClinVar (database versions not stated): gnomAD exomes below 0.00001; ExAC 0.00001.
gnomAD v4.1: 8 of 1,613,480 alleles (0.0005%); highest among the groups gnomAD compares: Non-Finnish European, 0.00051%; no homozygotes.

Submission:

Labcorp Genetics (formerly Invitae), Labcorp
Classification: Uncertain significance for Familial focal epilepsy with variable foci. Last evaluated: 2025-07-18. Review status: criteria provided, single submitter. Criteria: Invitae Variant Classification Sherloc (09022015). Collection method: clinical testing. Allele origin: germline.
Comment: This sequence change replaces arginine, which is basic and polar, with glutamine, which is neutral and polar, at codon 1468 of the DEPDC5 protein (p.Arg1468Gln). This variant is present in population databases (rs780509997, gnomAD 0.0009%). This variant has not been reported in the literature in individuals affected with DEPDC5-related conditions. ClinVar contains an entry for this variant (Variation ID: 1003963). Experimental studies and prediction algorithms are not available or were not evaluated, and the functional significance of this variant is currently unknown. In summary, the available evidence is currently insufficient to determine the role of this variant in disease. Therefore, it has been classified as a Variant of Uncertain Significance.